The following is an entry in ClinVar:

ClinVar aggregate classification (germline): Uncertain significance (1 of 4 stars; one submission).

Conditions:
MHC class II deficiency. Also called: BLS, TYPE II; Bare lymphocyte syndrome 2. Identifiers: Orphanet 572, MedGen C5447452, MONDO:0008855.

Allele frequency attached by ClinVar (database versions not stated): gnomAD exomes 0.00001.

Submission:

Labcorp Genetics (formerly Invitae), Labcorp
Classification: Uncertain significance for MHC class II deficiency. Last evaluated: 2022-07-19. Review status: criteria provided, single submitter. Criteria: Invitae Variant Classification Sherloc (09022015). Collection method: clinical testing. Allele origin: germline.
Comment: This sequence change replaces histidine, which is basic and polar, with arginine, which is basic and polar, at codon 426 of the RFX5 protein (p.His426Arg). This variant is not present in population databases (gnomAD no frequency). This variant has not been reported in the literature in individuals affected with RFX5-related conditions. ClinVar contains an entry for this variant (Variation ID: 1013775). Algorithms developed to predict the effect of missense changes on protein structure and function output the following: SIFT: "Tolerated"; PolyPhen-2: "Benign"; Align-GVGD: "Class C0". The arginine amino acid residue is found in multiple mammalian species, which suggests that this missense change does not adversely affect protein function. In summary, the available evidence is currently insufficient to determine the role of this variant in disease. Therefore, it has been classified as a Variant of Uncertain Significance.

NM_001025603.2(RFX5):c.1277A>G (p.His426Arg)

Gene: RFX5 (regulatory factor X5; minus strand). Cytogenetic location: 1q21.3.
Variant type: single nucleotide variant.
Coding change: c.1277A>G on transcript NM_001025603.2 (MANE Select); coding-DNA position 1277, A replaced by G.
Protein change: p.His426Arg; replaces histidine 426 with arginine.
Molecular consequence: missense variant.
Genome position (GRCh38, 1-based): chr1:151,342,760, T>C on the plus strand (A>G on the coding strand, the complement: RFX5 is on the minus strand). VCF-style: chr1-151342760-T-C. GRCh37 (hg19) VCF-style: chr1-151315236-T-C.
Other names: c.1277A>G, p.His426Arg (NM_000449.4, NM_001379412.1, NM_001379413.1 and 5 more transcripts); c.1157A>G, p.His386Arg (NM_001379419.1, NM_001379420.1); short protein forms H386R, H426R.
Identifiers: ClinVar variation 1013775 (VCV001013775.4), dbSNP rs1650578905, ClinGen allele CA341927953.
Genomic context (GRCh38, chr1:151,342,760, plus strand): 5'-GGAGCCTGCCCACTGGCCTCACTCACAGGTACTTCAGCTGTCCTCTTGACACCCTTGTCA[T>C]GTGGTCCTTGGTCACCACCTATGCCTACCTCTCTGTTCTCTGTGCCCCGGGGCTGAGTGA-3'
Protein context (NP_001020774.1, residues 416-436): EVGIGGDQGP[His426Arg]DKGVKRTAEV